The following is an entry in ClinVar:

NM_001012301.4(ARSI):c.946G>A (p.Gly316Ser)

Gene: ARSI (arylsulfatase family member I; minus strand). Cytogenetic location: 5q32.
Variant type: single nucleotide variant.
Coding change: c.946G>A on transcript NM_001012301.4 (MANE Select); coding-DNA position 946, G replaced by A.
Protein change: p.Gly316Ser; replaces glycine 316 with serine.
Molecular consequence: missense variant.
Genome position (GRCh38, 1-based): chr5:150,297,978, C>T on the plus strand (G>A on the coding strand, the complement: ARSI is on the minus strand). VCF-style: chr5-150297978-C-T. GRCh37 (hg19) VCF-style: chr5-149677541-C-T.
Other names: short protein forms G316S.
Identifiers: ClinVar variation 1052572 (VCV001052572.9), dbSNP rs2150320297, ClinGen allele CA361730105.

ClinVar aggregate classification (germline): Uncertain significance (1 of 4 stars; one submission).

Conditions:
Spastic paraplegia. Identifiers: MedGen C0037772, HP:0001258.

Submission:

Labcorp Genetics (formerly Invitae), Labcorp
Classification: Uncertain significance for Spastic paraplegia. Last evaluated: 2022-07-12. Review status: criteria provided, single submitter. Criteria: Invitae Variant Classification Sherloc (09022015). Collection method: clinical testing. Allele origin: germline.
Comment: ClinVar contains an entry for this variant (Variation ID: 1052572). This variant has not been reported in the literature in individuals affected with ARSI-related conditions. This variant is not present in population databases (gnomAD no frequency). This sequence change replaces glycine, which is neutral and non-polar, with serine, which is neutral and polar, at codon 316 of the ARSI protein (p.Gly316Ser). Algorithms developed to predict the effect of missense changes on protein structure and function are either unavailable or do not agree on the potential impact of this missense change (SIFT: "Tolerated"; PolyPhen-2: "Probably Damaging"; Align-GVGD: "Class C0"). In summary, the available evidence is currently insufficient to determine the role of this variant in disease. Therefore, it has been classified as a Variant of Uncertain Significance.